The following is an entry in ClinVar:

NM_001005242.3(PKP2):c.1948G>A (p.Val650Ile)

Gene: PKP2 (plakophilin 2; minus strand). Cytogenetic location: 12p11.21.
Variant type: single nucleotide variant.
Coding change: c.1948G>A on transcript NM_001005242.3 (MANE Select); coding-DNA position 1948, G replaced by A.
Protein change: p.Val650Ile; replaces valine 650 with isoleucine.
Molecular consequence: missense variant.
Genome position (GRCh38, 1-based): chr12:32,821,421, C>T on the plus strand (G>A on the coding strand, the complement: PKP2 is on the minus strand). VCF-style: chr12-32821421-C-T. GRCh37 (hg19) VCF-style: chr12-32974355-C-T.
Other names: c.2080G>A, p.Val694Ile (NM_004572.4); short protein forms V650I, V694I.
Identifiers: ClinVar variation 1308895 (VCV001308895.6), dbSNP rs747525514, ClinGen allele CA032595.

ClinVar aggregate classification (germline): Uncertain significance. Review status: criteria provided, multiple submitters, no conflicts (2 of 4 stars). 3 submissions from 3 submitters: Uncertain significance (3). Last evaluated 2024-09-23.

Conditions:
Arrhythmogenic right ventricular cardiomyopathy (ARVD). Also called: Cardiomyopathy, ARVC; Arrhythmogenic right ventricular dysplasia; Arrhythmogenic Right Ventricular Cardiomyopathy (ARVC); Arrhythmogenic cardiomyopathy. Identifiers: Orphanet 247, MedGen C0349788, MeSH D019571, MONDO:0016587. Disease mechanism: loss of function. Inheritance: Various modes of inheritance.
Arrhythmogenic right ventricular dysplasia 9 (ARVD9). Also called: Arrhythmogenic Right Ventricular Dysplasia/Cardiomyopathy 9; ARRHYTHMOGENIC RIGHT VENTRICULAR DYSPLASIA, FAMILIAL, 9. Identifiers: MedGen C1836906, MONDO:0012180, OMIM 609040.

Allele frequency attached by ClinVar (database versions not stated): gnomAD exomes 0.00001 and 0.00003; ExAC 0.00003.
gnomAD v4.1: 8 of 1,614,070 alleles (0.0005%); highest among the groups gnomAD compares: Admixed American, 0.0083%; no homozygotes.

Submissions (3):

All of Us Research Program, National Institutes of Health
Classification: Uncertain significance for Arrhythmogenic right ventricular cardiomyopathy. Last evaluated: 2024-09-23. Review status: criteria provided, single submitter. Criteria: ACMG Guidelines, 2015. Collection method: clinical testing. Allele origin: germline. Inheritance: Autosomal dominant inheritance. Observed: 4 variant alleles, 4 heterozygotes.
Comment: This study involves interpretation of variants in research participants for the purpose of population health screening. Participant phenotype was not available at the time of variant classification. Additional details can be found in publication PMID: 35346344, PMCID: PMC8962531

Labcorp Genetics (formerly Invitae), Labcorp
Classification: Uncertain significance for Arrhythmogenic right ventricular dysplasia 9. Last evaluated: 2024-01-04. Review status: criteria provided, single submitter. Criteria: Invitae Variant Classification Sherloc (09022015). Collection method: clinical testing. Allele origin: germline.
Comment: This sequence change replaces valine, which is neutral and non-polar, with isoleucine, which is neutral and non-polar, at codon 694 of the PKP2 protein (p.Val694Ile). This variant is present in population databases (rs747525514, gnomAD 0.01%). This variant has not been reported in the literature in individuals affected with PKP2-related conditions. ClinVar contains an entry for this variant (Variation ID: 1308895). Algorithms developed to predict the effect of missense changes on protein structure and function output the following: SIFT: "Not Available"; PolyPhen-2: "Benign"; Align-GVGD: "Not Available". The isoleucine amino acid residue is found in multiple mammalian species, which suggests that this missense change does not adversely affect protein function. In summary, the available evidence is currently insufficient to determine the role of this variant in disease. Therefore, it has been classified as a Variant of Uncertain Significance.

GeneDx
Classification: Uncertain significance. Last evaluated: 2019-09-30. Review status: criteria provided, single submitter. Criteria: GeneDx Variant Classification Process June 2021. Collection method: clinical testing. Allele origin: germline. Affected: yes.
Comment: Has not been previously published as pathogenic or benign to our knowledge; In silico analysis, which includes protein predictors and evolutionary conservation, supports that this variant does not alter protein structure/function